The following is an entry in ClinVar:

NM_144999.4(LRRC45):c.221-10C>T

Gene: LRRC45 (leucine rich repeat containing 45; plus strand). Cytogenetic location: 17q25.3.
Variant type: single nucleotide variant.
Coding change: c.221-10C>T on transcript NM_144999.4 (MANE Select); 10 bases into the intron before coding-DNA position 221, C replaced by T.
Molecular consequence: intron variant.
Genome position (GRCh38, 1-based): chr17:82,024,268, C>T. VCF-style: chr17-82024268-C-T. GRCh37 (hg19) VCF-style: chr17-79982144-C-T.
Identifiers: ClinVar variation 4999133 (VCV004999133.1).

ClinVar aggregate classification (germline): Likely benign (1 of 4 stars; one submission).

Conditions:
LRRC45-related disorder. Also called: LRRC45-related condition.

Submission:

PreventionGenetics, part of Exact Sciences
Classification: Likely benign for LRRC45-related condition. Last evaluated: 2025-04-13. Review status: criteria provided, single submitter. Criteria: ACMG Guidelines, 2015. Collection method: clinical testing. Allele origin: germline.
Comment: This variant is classified as likely benign based on ACMG/AMP sequence variant interpretation guidelines (Richards et al. 2015 PMID: 25741868, with internal and published modifications).